The following is an entry in ClinVar:

ClinVar aggregate classification (germline): Uncertain significance (1 of 4 stars; one submission).

Conditions:
Epilepsy, familial adult myoclonic, 5 (EPEO5). Also called: CORTICAL MYOCLONIC TREMOR WITH EPILEPSY, FAMILIAL, 5. Identifiers: Orphanet 86814, MedGen C3809374, MONDO:0014167, OMIM 615400.

Allele frequency attached by ClinVar (database versions not stated): ExAC 0.00002; gnomAD exomes 0.00002 and 0.00004; gnomAD 0.00005; TOPMed 0.00005; ESP Exome Variant Server 0.00008; 1000 Genomes Project 0.00020; 1000 Genomes Project 30x 0.00031.
gnomAD v4.1: 59 of 1,609,492 alleles (0.0037%); highest among the groups gnomAD compares: Non-Finnish European, 0.0044%; no homozygotes.

Submission:

Labcorp Genetics (formerly Invitae), Labcorp
Classification: Uncertain significance for Epilepsy, familial adult myoclonic, 5. Last evaluated: 2022-10-17. Review status: criteria provided, single submitter. Criteria: Invitae Variant Classification Sherloc (09022015). Collection method: clinical testing. Allele origin: germline.
Comment: This sequence change replaces valine, which is neutral and non-polar, with methionine, which is neutral and non-polar, at codon 323 of the CNTN2 protein (p.Val323Met). The frequency data for this variant in the population databases is considered unreliable, as metrics indicate poor data quality at this position in the gnomAD database. This variant has not been reported in the literature in individuals affected with CNTN2-related conditions. ClinVar contains an entry for this variant (Variation ID: 851108). Algorithms developed to predict the effect of missense changes on protein structure and function are either unavailable or do not agree on the potential impact of this missense change (SIFT: "Deleterious"; PolyPhen-2: "Probably Damaging"; Align-GVGD: "Class C0"). In summary, the available evidence is currently insufficient to determine the role of this variant in disease. Therefore, it has been classified as a Variant of Uncertain Significance.

NM_005076.5(CNTN2):c.967G>A (p.Val323Met)

Gene: CNTN2 (contactin 2; plus strand). Cytogenetic location: 1q32.1.
Variant type: single nucleotide variant.
Coding change: c.967G>A on transcript NM_005076.5 (MANE Select); coding-DNA position 967, G replaced by A.
Protein change: p.Val323Met; replaces valine 323 with methionine.
Molecular consequence: missense variant. On other transcripts: non-coding transcript variant (1).
Genome position (GRCh38, 1-based): chr1:205,061,414, G>A. VCF-style: chr1-205061414-G-A. GRCh37 (hg19) VCF-style: chr1-205030542-G-A.
Other names: c.967G>A, p.Val323Met (NM_001346083.2); short protein forms V323M.
Identifiers: ClinVar variation 851108 (VCV000851108.7), dbSNP rs369483636, ClinGen allele CA1351201.
Genomic context (GRCh38, chr1:205,061,414, plus strand): 5'-ACCTACGAGTGTGAGGCGGAGAACTCCAAGGGCCGAGACACCGTGCAGGGCCGCATCATC[G>A]TGCAGGGTACAGAGCCAGGGACACCTTCTCCGCCCCTCCCGACCCCCCTTCCCGCCTTCA-3'
Protein context (NP_005067.1, residues 313-333): GRDTVQGRII[Val323Met]QAQPEWLKVI